The following is an entry in ClinVar:

ClinVar aggregate classification (germline): Uncertain significance (1 of 4 stars; one submission).

Submission:

Labcorp Genetics (formerly Invitae), Labcorp
Classification: Uncertain significance. Last evaluated: 2021-11-16. Review status: criteria provided, single submitter. Criteria: Invitae Variant Classification Sherloc (09022015). Collection method: clinical testing. Allele origin: germline.
Comment: This sequence change replaces arginine, which is basic and polar, with glycine, which is neutral and non-polar, at codon 147 of the ADCY1 protein (p.Arg147Gly). This variant is not present in population databases (gnomAD no frequency). Algorithms developed to predict the effect of missense changes on protein structure and function output the following: SIFT: "Tolerated"; PolyPhen-2: "Benign"; Align-GVGD: "Class C0". The glycine amino acid residue is found in multiple mammalian species, which suggests that this missense change does not adversely affect protein function. In summary, the available evidence is currently insufficient to determine the role of this variant in disease. Therefore, it has been classified as a Variant of Uncertain Significance. This variant has not been reported in the literature in individuals affected with ADCY1-related conditions.

NM_021116.4(ADCY1):c.439C>G (p.Arg147Gly)

Gene: ADCY1 (adenylate cyclase 1; plus strand). Cytogenetic location: 7p12.3.
Variant type: single nucleotide variant.
Coding change: c.439C>G on transcript NM_021116.4 (MANE Select); coding-DNA position 439, C replaced by G.
Protein change: p.Arg147Gly; replaces arginine 147 with glycine.
Molecular consequence: missense variant. On other transcripts: 5 prime UTR variant (1).
Genome position (GRCh38, 1-based): chr7:45,574,982, C>G. VCF-style: chr7-45574982-C-G. GRCh37 (hg19) VCF-style: chr7-45614581-C-G.
Other names: c.-237C>G (NM_001281768.2); short protein forms R147G.
Identifiers: ClinVar variation 1393605 (VCV001393605.6), dbSNP rs1248179913, ClinGen allele CA367558719.